The following is an entry in ClinVar:

NM_001142800.2(EYS):c.5660G>A (p.Arg1887His)

Gene: EYS (EGF-like photoreceptor maintenance factor; minus strand). Cytogenetic location: 6q12.
Variant type: single nucleotide variant.
Coding change: c.5660G>A on transcript NM_001142800.2 (MANE Select); coding-DNA position 5660, G replaced by A.
Protein change: p.Arg1887His; replaces arginine 1887 with histidine.
Molecular consequence: missense variant.
Genome position (GRCh38, 1-based): chr6:64,439,337, C>T on the plus strand (G>A on the coding strand, the complement: EYS is on the minus strand). VCF-style: chr6-64439337-C-T. GRCh37 (hg19) VCF-style: chr6-65149230-C-T.
Other names: c.5660G>A, p.Arg1887His (NM_001292009.2); short protein forms R1887H.
Identifiers: ClinVar variation 849464 (VCV000849464.8), dbSNP rs1218030959, ClinGen allele CA364392890.

ClinVar aggregate classification (germline): Uncertain significance. Review status: criteria provided, multiple submitters, no conflicts (2 of 4 stars). 4 submissions from 4 submitters: Uncertain significance (3). 1 of the submissions does not count toward it. Last evaluated 2025-07-02.

Conditions:
Autosomal recessive retinitis pigmentosa. Identifiers: MedGen C0339526.
Inborn genetic diseases. Identifiers: MedGen C0950123, MeSH D030342.

Allele frequency attached by ClinVar (database versions not stated): gnomAD exomes 0.00002 and 0.00003; TOPMed 0.00002; gnomAD 0.00003.
gnomAD v4.1: 28 of 1,502,076 alleles (0.0019%); highest among the groups gnomAD compares: Admixed American, 0.0075%; no homozygotes.

Submissions (4):

Ambry Genetics
Classification: Uncertain significance for Inborn genetic diseases. Last evaluated: 2025-07-02. Review status: criteria provided, single submitter. Criteria: Ambry Variant Classification Scheme 2023. Collection method: clinical testing. Allele origin: germline.

Labcorp Genetics (formerly Invitae), Labcorp
Classification: Uncertain significance. Last evaluated: 2024-12-02. Review status: criteria provided, single submitter. Criteria: Invitae Variant Classification Sherloc (09022015). Collection method: clinical testing. Allele origin: germline.
Comment: This sequence change replaces arginine, which is basic and polar, with histidine, which is basic and polar, at codon 1887 of the EYS protein (p.Arg1887His). This variant is present in population databases (no rsID available, gnomAD 0.007%). This variant has not been reported in the literature in individuals affected with EYS-related conditions. ClinVar contains an entry for this variant (Variation ID: 849464). Invitae Evidence Modeling of protein sequence and biophysical properties (such as structural, functional, and spatial information, amino acid conservation, physicochemical variation, residue mobility, and thermodynamic stability) indicates that this missense variant is not expected to disrupt EYS protein function with a negative predictive value of 80%. In summary, the available evidence is currently insufficient to determine the role of this variant in disease. Therefore, it has been classified as a Variant of Uncertain Significance.

Blueprint Genetics
Classification: Uncertain significance. Last evaluated: 2021-09-26. Review status: criteria provided, single submitter. Criteria: ACMG Guidelines, 2015. Collection method: clinical testing. Allele origin: germline.

Natera, Inc.
Classification: Uncertain significance for Autosomal recessive retinitis pigmentosa. Last evaluated: 2020-09-16. Review status: no assertion criteria provided. Collection method: clinical testing. Allele origin: germline. Not counted in ClinVar's aggregate classification.